The following is an entry in ClinVar:

NM_000135.4(FANCA):c.3604G>C (p.Glu1202Gln)

Gene: FANCA (FA complementation group A; minus strand). Cytogenetic location: 16q24.3.
Variant type: single nucleotide variant.
Coding change: c.3604G>C on transcript NM_000135.4 (MANE Select); coding-DNA position 3604, G replaced by C.
Protein change: p.Glu1202Gln; replaces glutamic acid 1202 with glutamine.
Molecular consequence: missense variant.
Genome position (GRCh38, 1-based): chr16:89,744,981, C>G on the plus strand (G>C on the coding strand, the complement: FANCA is on the minus strand). VCF-style: chr16-89744981-C-G. GRCh37 (hg19) VCF-style: chr16-89811389-C-G.
Other names: c.3604G>C, p.Glu1202Gln (NM_001286167.3); c.3604G>C (NM_000135.3); short protein forms E1202Q.
Identifiers: ClinVar variation 3277606 (VCV003277606.2).

ClinVar aggregate classification (germline): Uncertain significance. Review status: criteria provided, multiple submitters, no conflicts (2 of 4 stars). 2 submissions from 2 submitters: Uncertain significance (2). Last evaluated 2024-06-04.

Conditions:
Inborn genetic diseases. Identifiers: MedGen C0950123, MeSH D030342.

gnomAD v4.1: 2 of 1,611,898 alleles (0.00012%); highest among the groups gnomAD compares: Non-Finnish European, 0.00017%; no homozygotes.

Submissions (2):

Ambry Genetics
Classification: Uncertain significance for Inborn genetic diseases. Last evaluated: 2024-06-04. Review status: criteria provided, single submitter. Criteria: Ambry Variant Classification Scheme 2023. Collection method: clinical testing. Allele origin: germline.

Quest Diagnostics Nichols Institute San Juan Capistrano
Classification: Uncertain significance. Last evaluated: 2023-12-26. Review status: criteria provided, single submitter. Criteria: Quest Diagnostics criteria. Collection method: clinical testing. Allele origin: unknown.
Comment: The FANCA c.3604G>C (p.Glu1202Gln) variant has not been reported in individuals with FANCA-related conditions in the published literature. The frequency of this variant in the general population, 0.000004 (1/248312 chromosomes (Genome Aggregation Database)), is uninformative in the assessment of its pathogenicity. Analysis of this variant using bioinformatics tools for the prediction of the effect of amino acid changes on protein structure and function yielded conflicting predictions that this variant is benign or damaging. Based on the available information, we are unable to determine the clinical significance of this variant.